The following is an entry in ClinVar:

NM_000535.7(PMS2):c.2095G>A (p.Asp699Asn)

Gene: PMS2 (PMS1 homolog 2, mismatch repair system component; minus strand). Cytogenetic location: 7p22.1.
Variant type: single nucleotide variant.
Coding change: c.2095G>A on transcript NM_000535.7 (MANE Select); coding-DNA position 2095, G replaced by A.
Protein change: p.Asp699Asn; replaces aspartic acid 699 with asparagine.
Molecular consequence: missense variant. On other transcripts: non-coding transcript variant (1).
Genome position (GRCh38, 1-based): chr7:5,982,903, C>T on the plus strand (G>A on the coding strand, the complement: PMS2 is on the minus strand). VCF-style: chr7-5982903-C-T. GRCh37 (hg19) VCF-style: chr7-6022534-C-T.
Other names: c.1690G>A, p.Asp564Asn (NM_001322003.2, NM_001322004.2, NM_001322005.2 and 1 more transcripts); c.1939G>A, p.Asp647Asn (NM_001322006.2); c.1777G>A, p.Asp593Asn (NM_001322007.2, NM_001322008.2); c.1534G>A, p.Asp512Asn (NM_001322010.2); c.1162G>A, p.Asp388Asn (NM_001322011.2, NM_001322012.2); c.1522G>A, p.Asp508Asn (NM_001322013.2); c.2095G>A, p.Asp699Asn (NM_001322014.2); c.1786G>A, p.Asp596Asn (NM_001322015.2); short protein forms D388N, D508N, D593N, D564N, D647N, D699N, D596N, D512N.
Identifiers: ClinVar variation 1371065 (VCV001371065.8), dbSNP rs587781317, ClinGen allele CA366738009.
Genomic context (GRCh38, chr7:5,982,903, plus strand): 5'-GGAGCACGGTGTGCTGCTGCAGCATCTCGAAGTTATACTTCTCGTCCGTGGCATGCTGGT[C>T]CACTATGAAGATATCCTCATTCAGTTTGGTTATTATAAATCCCAGGTTAAACTGACCAAT-3'
Protein context (NP_000526.2, residues 689-709): TKLNEDIFIV[Asp699Asn]QHATDEKYNF

ClinVar aggregate classification (germline): Uncertain significance. Review status: criteria provided, multiple submitters, no conflicts (2 of 4 stars). 2 submissions from 2 submitters: Uncertain significance (2). Last evaluated 2025-07-31.

Conditions:
Hereditary nonpolyposis colorectal neoplasms. Identifiers: MedGen C0009405, MeSH D003123.
Hereditary cancer-predisposing syndrome. Also called: Neoplastic Syndromes, Hereditary; Tumor predisposition; Hereditary neoplastic syndrome; Hereditary Cancer Syndrome. Identifiers: Orphanet 140162, MedGen C0027672, MeSH D009386, MONDO:0015356.

Submissions (2):

Labcorp Genetics (formerly Invitae), Labcorp
Classification: Uncertain significance for Hereditary nonpolyposis colorectal neoplasms. Last evaluated: 2025-07-31. Review status: criteria provided, single submitter. Criteria: Invitae Variant Classification Sherloc (09022015). Collection method: clinical testing. Allele origin: germline.
Comment: This sequence change replaces aspartic acid, which is acidic and polar, with asparagine, which is neutral and polar, at codon 699 of the PMS2 protein (p.Asp699Asn). The frequency data for this variant in the population databases (gnomAD) is considered unreliable due to the presence of homologous sequence, such as pseudogenes or paralogs, in the genome. This variant has not been reported in the literature in individuals affected with PMS2-related conditions. ClinVar contains an entry for this variant (Variation ID: 1371065). Invitae Evidence Modeling incorporating data from in vitro experimental studies (internal data) indicates that this missense variant is expected to disrupt PMS2 function with a positive predictive value of 95%. Experimental studies have shown that this missense change affects PMS2 function (PMID: 16873062, 29941579). This variant disrupts the p.Asp699 amino acid residue in PMS2. Other variant(s) that disrupt this residue have been determined to be pathogenic (PMID: 20205264, 23012243, 23729388, 28494185, 28514183; internal data). This suggests that this residue is clinically significant, and that variants that disrupt this residue are likely to be disease-causing. In summary, the available evidence is currently insufficient to determine the role of this variant in disease. Therefore, it has been classified as a Variant of Uncertain Significance.

Ambry Genetics
Classification: Uncertain significance for Hereditary cancer-predisposing syndrome. Last evaluated: 2020-01-22. Review status: criteria provided, single submitter. Criteria: Ambry Variant Classification Scheme 2023. Collection method: clinical testing. Allele origin: germline.
Comment: The p.D699N variant (also known as c.2095G>A), located in coding exon 12 of the PMS2 gene, results from a G to A substitution at nucleotide position 2095. The aspartic acid at codon 699 is replaced by asparagine, an amino acid with highly similar properties. This amino acid position is highly conserved in available vertebrate species. In addition, the in silico prediction for this alteration is inconclusive. Since supporting evidence is limited at this time, the clinical significance of this alteration remains unclear.

Literature cited by the submitters: PubMed 16873062 (cited by Labcorp Genetics (formerly Invitae), Labcorp); PubMed 29941579 (cited by Labcorp Genetics (formerly Invitae), Labcorp); PubMed 20205264 (cited by Labcorp Genetics (formerly Invitae), Labcorp); PubMed 23012243 (cited by Labcorp Genetics (formerly Invitae), Labcorp); PubMed 23729388 (cited by Labcorp Genetics (formerly Invitae), Labcorp); PubMed 28494185 (cited by Labcorp Genetics (formerly Invitae), Labcorp); PubMed 28514183 (cited by Labcorp Genetics (formerly Invitae), Labcorp).